The following is an entry in ClinVar:

ClinVar aggregate classification (germline): Uncertain significance (1 of 4 stars; one submission).

Conditions:
Joubert syndrome. Also called: CEREBELLOPARENCHYMAL DISORDER IV; JOUBERT-BOLTSHAUSER SYNDROME; Familial aplasia of the vermis. Identifiers: Orphanet 475, MedGen C5979921, MONDO:0018772.
Orofaciodigital syndrome I (OFD1). Also called: OFDS I; Papillon-Leage and Psaume Syndrome; Oral-Facial-Digital Syndrome Type I. Identifiers: Orphanet 2750, MedGen C1510460, MONDO:0010702, OMIM 311200.

Submission:

Labcorp Genetics (formerly Invitae), Labcorp
Classification: Uncertain significance for Orofaciodigital syndrome I; Joubert syndrome. Last evaluated: 2022-10-13. Review status: criteria provided, single submitter. Criteria: Invitae Variant Classification Sherloc (09022015). Collection method: clinical testing. Allele origin: germline.
Comment: This sequence change replaces aspartic acid, which is acidic and polar, with glutamic acid, which is acidic and polar, at codon 224 of the OFD1 protein (p.Asp224Glu). This variant is not present in population databases (gnomAD no frequency). This variant has not been reported in the literature in individuals affected with OFD1-related conditions. Advanced modeling of protein sequence and biophysical properties (such as structural, functional, and spatial information, amino acid conservation, physicochemical variation, residue mobility, and thermodynamic stability) performed at Invitae indicates that this missense variant is not expected to disrupt OFD1 protein function. In summary, the available evidence is currently insufficient to determine the role of this variant in disease. Therefore, it has been classified as a Variant of Uncertain Significance.

NM_003611.3(OFD1):c.672T>G (p.Asp224Glu)

Gene: OFD1 (OFD1 centriole and centriolar satellite protein; plus strand). Cytogenetic location: Xp22.2.
Variant type: single nucleotide variant.
Coding change: c.672T>G on transcript NM_003611.3 (MANE Select); coding-DNA position 672, T replaced by G.
Protein change: p.Asp224Glu; replaces aspartic acid 224 with glutamic acid.
Molecular consequence: missense variant.
Genome position (GRCh38, 1-based): chrX:13,746,797, T>G. VCF-style: chrX-13746797-T-G. GRCh37 (hg19) VCF-style: chrX-13764916-T-G.
Other names: c.672T>G, p.Asp224Glu (NM_001330209.2); c.252T>G, p.Asp84Glu (NM_001330210.2); short protein forms D224E, D84E.
Identifiers: ClinVar variation 2088243 (VCV002088243.4), dbSNP rs2518838346, ClinGen allele CA412337841.